The following is an entry in ClinVar:

ClinVar aggregate classification (germline): Pathogenic (1 of 4 stars; one submission).

Submission:

Labcorp Genetics (formerly Invitae), Labcorp
Classification: Pathogenic. Last evaluated: 2023-01-22. Review status: criteria provided, single submitter. Criteria: Invitae Variant Classification Sherloc (09022015). Collection method: clinical testing. Allele origin: germline.
Comment: For these reasons, this variant has been classified as Pathogenic. This premature translational stop signal has been observed in individual(s) with 1a-hydroxylase deficiency (PMID: 17488797). This variant is not present in population databases (gnomAD no frequency). This sequence change creates a premature translational stop signal (p.Trp328*) in the CYP27B1 gene. It is expected to result in an absent or disrupted protein product. Loss-of-function variants in CYP27B1 are known to be pathogenic (PMID: 9837822, 17488797).

Literature cited by the submitters: PubMed 17488797; PubMed 9837822.

NM_000785.4(CYP27B1):c.984G>A (p.Trp328Ter)

Gene: CYP27B1 (cytochrome P450 family 27 subfamily B member 1; minus strand). Cytogenetic location: 12q14.1.
Variant type: single nucleotide variant.
Coding change: c.984G>A on transcript NM_000785.4 (MANE Select); coding-DNA position 984, G replaced by A.
Protein change: p.Trp328Ter; replaces tryptophan 328 with a stop codon.
Molecular consequence: nonsense.
Genome position (GRCh38, 1-based): chr12:57,764,530, C>T on the plus strand (G>A on the coding strand, the complement: CYP27B1 is on the minus strand). VCF-style: chr12-57764530-C-T. GRCh37 (hg19) VCF-style: chr12-58158313-C-T.
Other names: short protein forms W328*.
Identifiers: ClinVar variation 2831137 (VCV002831137.3), dbSNP rs2540916075, ClinGen allele CA385504056.